The following is an entry in ClinVar:

NM_170682.4(P2RX2):c.898_900del (p.Asn300del)

Gene: P2RX2 (purinergic receptor P2X 2; plus strand). Cytogenetic location: 12q24.33.
Variant type: Deletion.
Coding change: c.898_900del on transcript NM_170682.4 (MANE Select); coding-DNA positions 898 to 900, 3 bases deleted (AAC; older notation c.898_900delAAC).
Protein change: p.Asn300del; deletes asparagine 300.
Molecular consequence: inframe deletion.
Genome position (GRCh38, 1-based): chr12:132,621,124-132,621,126, AAC deleted; deleting any 3 consecutive bases within chr12:132,621,122-132,621,126 gives the same sequence; the c. name uses the placement nearest the transcript's 3' end. VCF-style (leftmost placement, unchanged base first): chr12-132621121-TACA-T. GRCh37 (hg19) VCF-style: chr12-133197707-TACA-T.
Other names: c.796_798del, p.Asn266del (NM_001282164.2); c.898_900del, p.Asn300del (NM_001282165.2, NM_170683.4, NM_174873.3); c.682_684del, p.Asn228del (NM_012226.5); c.826_828del, p.Asn276del (NM_016318.4); c.622_624del, p.Asn208del (NM_174872.3); short protein forms N208del, N228del, N266del, N276del, N300del.
Identifiers: ClinVar variation 2630430 (VCV002630430.1), dbSNP rs763934299, ClinGen allele CA6891692.

ClinVar aggregate classification (germline): Uncertain significance (1 of 4 stars; one submission).

Conditions:
P2RX2-related disorder. Also called: P2RX2-related condition.

Submission:

PreventionGenetics, part of Exact Sciences
Classification: Uncertain significance for P2RX2-related condition. Last evaluated: 2023-06-29. Review status: criteria provided, single submitter. Criteria: ACMG Guidelines, 2015. Collection method: clinical testing. Allele origin: germline.
Comment: The P2RX2 c.898_900delAAC variant is predicted to result in an in-frame deletion (p.Asn300del). To our knowledge, this variant has not been reported in the literature. This variant is reported in 0.0018% of alleles in individuals of European (Non-Finnish) descent in gnomAD. At this time, the clinical significance of this variant is uncertain due to the absence of conclusive functional and genetic evidence.